The following is an entry in ClinVar:

ClinVar aggregate classification (germline): Uncertain significance (1 of 4 stars; one submission).

Submission:

Laboratory for Molecular Medicine, Mass General Brigham Personalized Medicine
Classification: Uncertain significance. Last evaluated: 2015-09-09. Review status: criteria provided, single submitter. Criteria: LMM Criteria. Collection method: clinical testing. Allele origin: germline. Observed: 1 variant allele.
Comment: The p.Ile4254Val variant in TTN has not been previously reported in individuals with cardiomyopathy and was absent from large population studies. Computational prediction tools and conservation analysis do not provide strong support for or against an impact to the protein. In summary, the clinical significance of the p .Ile4254Val variant is uncertain.

NM_001267550.2(TTN):c.16492A>G (p.Ile5498Val)

Gene: TTN (titin; minus strand). Cytogenetic location: 2q31.2.
Variant type: single nucleotide variant.
Coding change: c.16492A>G on transcript NM_001267550.2 (MANE Select); coding-DNA position 16492, A replaced by G.
Protein change: p.Ile5498Val; replaces isoleucine 5498 with valine.
Molecular consequence: missense variant. On other transcripts: intron variant (3).
Genome position (GRCh38, 1-based): chr2:178,732,569, T>C on the plus strand (A>G on the coding strand, the complement: TTN is on the minus strand). VCF-style: chr2-178732569-T-C. GRCh37 (hg19) VCF-style: chr2-179597296-T-C.
Other names: c.12760A>G, p.Ile4254Val (NM_133378.4); c.15541A>G, p.Ile5181Val (NM_001256850.1); c.13282+5513A>G (NM_003319.4); c.13858+5513A>G (NM_133437.4); c.13657+5513A>G (NM_133432.3); short protein forms I4254V, I5498V, I5181V.
Identifiers: ClinVar variation 229389 (VCV000229389.5), dbSNP rs876658042, ClinGen allele CA10576556.